The following is an entry in ClinVar:

ClinVar aggregate classification (germline): Uncertain significance. Review status: criteria provided, multiple submitters, no conflicts (2 of 4 stars). 6 submissions from 5 submitters: Uncertain significance (6). Last evaluated 2024-03-11.

Conditions:
Type 2 diabetes mellitus. Also called: Type II diabetes mellitus. Identifiers: MedGen C0011860, MeSH D003924, MONDO:0005148, OMIM 125853, HP:0005978.
Wolfram syndrome 1 (WFS1). Identifiers: Orphanet 3463, MedGen C4551693, MONDO:0009101, OMIM 222300.
Wolfram-like syndrome. Also called: HEARING LOSS, PROGRESSIVE, WITH OPTIC ATROPHY AND/OR IMPAIRED GLUCOSE REGULATION. Identifiers: Orphanet 411590, MedGen C3280358, MONDO:0013673, OMIM 614296.
Cataract 41 (CTRCT41). Also called: CATARACT 41, CONGENITAL NUCLEAR TYPE. Identifiers: Orphanet 91492, Orphanet 98991, Orphanet 98992, Orphanet 98995, MedGen C3805412, MONDO:0007287, OMIM 116400.
Autosomal dominant nonsyndromic hearing loss 6 (LFSNHL). Also called: DEAFNESS, AUTOSOMAL DOMINANT 6; DEAFNESS, AUTOSOMAL DOMINANT 14; DEAFNESS, AUTOSOMAL DOMINANT 38; Autosomal dominant nonsyndromic deafness 6. Identifiers: Orphanet 90635, MedGen C1833021, MONDO:0010963, OMIM 600965.
WFS1-Related Spectrum Disorders.

Allele frequency attached by ClinVar (database versions not stated): ESP Exome Variant Server 0.00008; gnomAD 0.00004; TOPMed 0.00003; ExAC 0.00004.

Submissions (6):

Fulgent Genetics
Classification: Uncertain significance for Cataract 41; Type 2 diabetes mellitus; Wolfram syndrome 1; Autosomal dominant nonsyndromic hearing loss 6; Wolfram-like syndrome. Last evaluated: 2024-03-11. Review status: criteria provided, single submitter. Criteria: ACMG Guidelines, 2015. Collection method: clinical testing. Allele origin: germline.

Labcorp Genetics (formerly Invitae), Labcorp
Classification: Uncertain significance. Last evaluated: 2023-04-28. Review status: criteria provided, single submitter. Criteria: Invitae Variant Classification Sherloc (09022015). Collection method: clinical testing. Allele origin: germline.
Comment: ClinVar contains an entry for this variant (Variation ID: 904869). Advanced modeling of protein sequence and biophysical properties (such as structural, functional, and spatial information, amino acid conservation, physicochemical variation, residue mobility, and thermodynamic stability) has been performed at Invitae for this missense variant, however the output from this modeling did not meet the statistical confidence thresholds required to predict the impact of this variant on WFS1 protein function. In summary, the available evidence is currently insufficient to determine the role of this variant in disease. Therefore, it has been classified as a Variant of Uncertain Significance. This missense change has been observed in individual(s) with optic neuropathy (PMID: 33841295). This sequence change replaces glutamic acid, which is acidic and polar, with lysine, which is basic and polar, at codon 394 of the WFS1 protein (p.Glu394Lys). This variant is present in population databases (rs373146435, gnomAD 0.1%).

GeneDx
Classification: Uncertain significance. Last evaluated: 2022-11-01. Review status: criteria provided, single submitter. Criteria: GeneDx Variant Classification Process June 2021. Collection method: clinical testing. Allele origin: germline. Affected: yes.
Comment: Reported in a patient with optic neuropathy in published literature (Charif et al., 2021); clinical information is limited; In silico analysis supports that this missense variant has a deleterious effect on protein structure/function; This variant is associated with the following publications: (PMID: 26435059, 33841295)

Blueprint Genetics
Classification: Uncertain significance. Last evaluated: 2022-08-23. Review status: criteria provided, single submitter. Criteria: ACMG Guidelines, 2015. Collection method: clinical testing. Allele origin: germline.

Illumina Laboratory Services, Illumina
Classification: Uncertain significance for Autosomal dominant nonsyndromic hearing loss 6. Last evaluated: 2017-04-27. Review status: criteria provided, single submitter. Criteria: ICSL Variant Classification Criteria 13 December 2019. Collection method: clinical testing. Allele origin: germline.

Illumina Laboratory Services, Illumina
Classification: Uncertain significance for WFS1-Related Spectrum Disorders. Last evaluated: 2017-04-27. Review status: criteria provided, single submitter. Criteria: ICSL Variant Classification Criteria 13 December 2019. Collection method: clinical testing. Allele origin: germline.

Literature cited by the submitters: PubMed 33841295 (cited by Labcorp Genetics (formerly Invitae), Labcorp).

NM_006005.3(WFS1):c.1180G>A (p.Glu394Lys)

Gene: WFS1 (wolframin ER transmembrane glycoprotein; plus strand). Cytogenetic location: 4p16.1.
Variant type: single nucleotide variant.
Coding change: c.1180G>A on transcript NM_006005.3 (MANE Select); coding-DNA position 1180, G replaced by A.
Protein change: p.Glu394Lys; replaces glutamic acid 394 with lysine.
Molecular consequence: missense variant.
Genome position (GRCh38, 1-based): chr4:6,300,975, G>A. VCF-style: chr4-6300975-G-A. GRCh37 (hg19) VCF-style: chr4-6302702-G-A.
Other names: c.1180G>A, p.Glu394Lys (NM_001145853.1); short protein forms E394K.
Identifiers: ClinVar variation 904869 (VCV000904869.18), dbSNP rs373146435, ClinGen allele CA2839246.